The following is an entry in ClinVar:

NM_198252.3(GSN):c.352-8C>A

Gene: GSN (gelsolin; plus strand). Cytogenetic location: 9q33.2.
Variant type: single nucleotide variant.
Coding change: c.352-8C>A on transcript NM_198252.3 (MANE Select); 8 bases into the intron before coding-DNA position 352, C replaced by A.
Molecular consequence: intron variant.
Genome position (GRCh38, 1-based): chr9:121,310,676, C>A. VCF-style: chr9-121310676-C-A. GRCh37 (hg19) VCF-style: chr9-124072954-C-A.
Other names: c.505-8C>A (NM_000177.4, NM_000177.5); c.352-8C>A (NM_001353054.1, NM_001353053.1, NM_001353060.2 and 10 more transcripts); c.385-8C>A (NM_001353064.2, NM_001353066.2, NM_001353073.2 and 13 more transcripts); c.460-8C>A (NM_001127663.2); c.424-8C>A (NM_001353076.2); c.-303-8C>A (NM_001353078.2); c.403-8C>A (NM_001258029.2); c.376-8C>A (NM_001258030.2).
Identifiers: ClinVar variation 1338032 (VCV001338032.7), dbSNP rs779179398, ClinGen allele CA590219508.
Genomic context (GRCh38, chr9:121,310,676, plus strand): 5'-CCCCTTCTTCCATATCTGCTTCCCTGGGCCTTCTCCCCTGGGCTAATGCTGTCTCTTTGG[C>A]CCCACAGAAAGGAGGTGTGGCATCAGGATTCAAGCACGTGGTACCCAACGAGGTGGTGGT-3'

ClinVar aggregate classification (germline): Conflicting classifications of pathogenicity. Review status: criteria provided, conflicting classifications (1 of 4 stars). 3 submissions from 3 submitters: Uncertain significance (1); Likely benign (2). Last evaluated 2025-09-12.

Conditions:
GSN-related disorder. Also called: GSN-related condition.

Allele frequency attached by ClinVar (database versions not stated): gnomAD exomes below 0.00001.
gnomAD v4.1: 5 of 1,613,854 alleles (0.00031%); highest among the groups gnomAD compares: Non-Finnish European, 0.000085%; no homozygotes.

Submissions (3):

PreventionGenetics, part of Exact Sciences
Classification: Likely benign for GSN-related condition. Last evaluated: 2025-09-12. Review status: criteria provided, single submitter. Criteria: ACMG Guidelines, 2015. Collection method: clinical testing. Allele origin: germline.
Comment: This variant is classified as likely benign based on ACMG/AMP sequence variant interpretation guidelines (Richards et al. 2015 PMID: 25741868, with internal and published modifications).

Labcorp Genetics (formerly Invitae), Labcorp
Classification: Likely benign. Last evaluated: 2024-05-10. Review status: criteria provided, single submitter. Criteria: Invitae Variant Classification Sherloc (09022015). Collection method: clinical testing. Allele origin: germline.

Genetic Services Laboratory, University of Chicago
Classification: Uncertain significance. Last evaluated: 2021-07-30. Review status: criteria provided, single submitter. Criteria: ACMG Guidelines, 2015. Collection method: clinical testing. Allele origin: germline. Affected: no.
Comment: DNA sequence analysis of the GSN gene demonstrated a sequence change in intron 3, c.505-8C>A. This sequence change has been described in the gnomAD database in the heterozygous state in one individual (dbSNP rs779179398). This sequence change is not clearly predicted to have a deleterious effect on splicing based on in silico splice prediction programs. This change does not appear to have been previously described in individuals with GSN-related disorders. It is possible that this sequence change represents a benign sequence change in the GSN gene that has not been identified to date. The functional significance of this sequence change is not known at present and its contribution to this individual's disease phenotype cannot definitively be determined.